The following is an entry in ClinVar:

ClinVar aggregate classification (germline): Pathogenic/Likely pathogenic. Review status: criteria provided, multiple submitters, no conflicts (2 of 4 stars). 26 submissions from 26 submitters: Pathogenic (20); Likely pathogenic (2). 4 of the submissions do not count toward it. Last evaluated 2026-05-22.

Conditions:
LPL-related disorder. Also called: LPL-related condition.
Cardiovascular phenotype. Identifiers: MedGen CN230736.
Hyperlipidemia, familial combined, LPL related (FCHL3). Also called: Hyperapobetalipoproteinemia. Identifiers: MedGen C0020474, MONDO:0007759, OMIM 144250, HP:0008158.
Hyperlipoproteinemia, type I. Also called: Lipoprotein Lipase Deficiency; Hyperlipoproteinemia type 1; Hyperchylomicro-nemia familial; Familial chylomicronemia; Hyperlipemia idiopathic Burger-Grutz type; Familial hyperlipo-proteinemia type 1. Identifiers: Orphanet 309015, Orphanet 444490, MedGen C0023817, MONDO:0009387, OMIM 238600. Disease mechanism: loss of function.

Allele frequency attached by ClinVar (database versions not stated): 1000 Genomes Project 0.00020; TOPMed 0.00036; gnomAD exomes 0.00037 and 0.00019; 1000 Genomes Project 30x 0.00016; gnomAD 0.00022 and 0.00024; ExAC 0.00013.

Submissions 1 to 8 of 26:

PreventionGenetics, part of Exact Sciences
Classification: Pathogenic for LPL-related condition. Last evaluated: 2026-05-22. Review status: criteria provided, single submitter. Criteria: ACMG Guidelines, 2015. Collection method: clinical testing. Allele origin: germline.
Comment: The LPL c.644G>A variant is predicted to result in the amino acid substitution p.Gly215Glu. This variant (also known as p.Gly188Glu), has been reported in the homozygous or compound heterozygous state in multiple patients with lipoprotein lipase deficiency and familial chylomicronemia syndrome (FCS) (Emi et al. 1990. PubMed ID: 1969408; Monsalve et al. 1990. PubMed ID: 1975597; Ooi et al. 2012. PubMed ID: 22095987; Bordugo et al. 2014. PubMed ID: 24747307; Hegele et al. 2018. PubMed ID: 29748148; Ariza et al. 2018. PubMed ID: 30150141). Heterozygous carriers of this variant are also reported to have a wide range of fasting triglyceride concentrations (Wilson et al. 1990. PubMed ID: 2394828; Hooper et al. 2008. PubMed ID: 18275685; Chokshi et al. 2014. PubMed ID: 24793350; Johansen et al. 2014. PubMed ID: 24503134; Rodrigues et al. 2016. PubMed ID: 27055971). Functional studies also suggest this variant decreases LPL protein activity (Caddeo et al. 2018. PubMed ID: 29288010). This variant is reported in 0.030% of alleles in individuals of European (Non-Finnish) descent in gnomAD. This variant is interpreted as pathogenic.

Labcorp Genetics (formerly Invitae), Labcorp
Classification: Pathogenic. Last evaluated: 2026-02-01. Review status: criteria provided, single submitter. Criteria: Invitae Variant Classification Sherloc (09022015). Collection method: clinical testing. Allele origin: germline.
Comment: This sequence change replaces glycine, which is neutral and non-polar, with glutamic acid, which is acidic and polar, at codon 215 of the LPL protein (p.Gly215Glu). This variant is present in population databases (rs118204057, gnomAD 0.03%). This missense change has been observed in individuals with lipoprotein lipase deficiency (PMID: 1969408, 22095987, 28438574). This variant is also known as p.Gly188Glu. ClinVar contains an entry for this variant (Variation ID: 1522). Invitae Evidence Modeling of protein sequence and biophysical properties (such as structural, functional, and spatial information, amino acid conservation, physicochemical variation, residue mobility, and thermodynamic stability) indicates that this missense variant is not expected to disrupt LPL protein function with a negative predictive value of 80%. Experimental studies have shown that this missense change affects LPL function (PMID: 1400331, 1969408, 29288010). For these reasons, this variant has been classified as Pathogenic.

Natera, Inc.
Classification: Pathogenic for Lipoprotein lipase deficiency. Last evaluated: 2025-11-28. Review status: criteria provided, single submitter. Criteria: Natera Variant Classification Schema (03/2026). Collection method: clinical testing. Allele origin: germline.
Comment: The c.644G>A variant in LPL is a missense variant predicted to cause substitution of glycine to glutamic acid at amino acid 215. This variant is rare in the general population with a frequency below the threshold expected for the associated phenotype(s). This variant has been observed in one or more individuals affected with the associated recessive disease, as either homozygous or compound heterozygous with a second variant (PMID: 24291057). Given the available evidence, this variant is classified as Pathogenic.

Genomic Medicine Center of Excellence, King Faisal Specialist Hospital and Research Centre
Classification: Pathogenic for Hyperlipoproteinemia, type I. Last evaluated: 2025-09-10. Review status: criteria provided, single submitter. Criteria: ACMG Guidelines, 2015. Collection method: clinical testing. Allele origin: germline.

Ambry Genetics
Classification: Pathogenic for Cardiovascular phenotype. Last evaluated: 2025-04-16. Review status: criteria provided, single submitter. Criteria: Ambry Variant Classification Scheme 2023. Collection method: clinical testing. Allele origin: germline.
Comment: The c.644G>A (p.G215E) alteration is located in exon 5 (coding exon 5) of the LPL gene. This alteration results from a G to A substitution at nucleotide position 644, causing the glycine (G) at amino acid position 215 to be replaced by a glutamic acid (E). Based on data from gnomAD, the A allele has an overall frequency of 0.018% (50/282856) total alleles studied. The highest observed frequency was 0.03% (39/129168) of European (non-Finnish) alleles. This mutation has been reported to be a founder mutation and has been detected in the homozygous and compound heterozygous states in numerous individuals with familial chylomicronemia (FCS) (Monsalve, 1990; Henderson, 1992; Gilbert, 2001; Hooper, 2014; Rabacchi, 2015; Hegele, 2018). In the heterozygous state, this alteration has been associated with hyperlipoproteinemia (Chokshi, 2014; Johansen, 2014; Rodrigues, 2016). This amino acid position is highly conserved in available vertebrate species. Functional studies indicate that this alteration results in deficient protein function (Emi, 1990; Hata, 1992; Caddeo, 2018). This alteration is predicted to be deleterious by in silico analysis. Based on the available evidence, this alteration is classified as pathogenic.

Rady Children's Institute for Genomic Medicine, Rady Children's Hospital San Diego
Classification: Pathogenic for LPL-related disorders. Last evaluated: 2025-03-20. Review status: criteria provided, single submitter. Criteria: ACMG Guidelines, 2015. Collection method: clinical testing. Allele origin: germline. Affected: yes.
Comment: This variant is knonwn as p.Gly188Glu by legacy nomenclature in the literature. Missense variation is an established mechanism of disease for LPL-related disorders (PMID: 20301485). This variant has been previously reported as a heterozygous change in individuals with hypertriglyceridemia (PMID: 24793350, 2719595, 22239554) and in the compound heterozygous or homozygous change in patients with familial lipoprotein lipase deficiency (PMID: 29288010, 1975597, 1351946, 1619366, 22095987, 28438574). The variant co-segregates with disease in families (PMID: 28445021, 26337181, 1969408). The c.644G>A (p.Gly215Glu) variant affects a highly conserved amino acid and is predicted by multiple in silico tools to have a deleterious effect on protein function. Functional studies have confirmed this variant leads to reduced LPL function (PMID: 1400331, 1969408, 29288010). The c.644G>A (p.Gly215Glu) variant is present in the latest version of the gnomAD population database at an allele frequency of 0.04% (574/1614122), and is absent in the homozygous state. Based on the available evidence, c.644G>A (p.Gly215Glu) is classified as Pathogenic.

Women's Health and Genetics/Laboratory Corporation of America, LabCorp
Classification: Pathogenic for Hyperlipoproteinemia, type I. Last evaluated: 2025-02-28. Review status: criteria provided, single submitter. Criteria: LabCorp Variant Classification Summary - May 2015. Collection method: clinical testing. Allele origin: germline.
Comment: Variant summary: LPL c.644G>A (p.Gly215Glu) results in a non-conservative amino acid change in the encoded protein sequence. Four of five in-silico tools predict a damaging effect of the variant on protein function. The variant allele was found at a frequency of 0.00019 in 251454 control chromosomes. This frequency is not significantly higher than estimated for a pathogenic variant in LPL causing Familial Lipoprotein Lipase Deficiency (0.00019 vs 0.0034), allowing no conclusion about variant significance. c.644G>A has been reported in the literature in multiple bi-allelic individuals affected with Familial Lipoprotein Lipase Deficiency (examples: Emi_1990, Ooi_2012, Valenzuela-Vallejo_2022). It has also been reported in heterozygous individuals affected with hyperlipoproteinemia or hypertriglyceridemia (examples: Ooi_2012, and Chokshi_2014). These data indicate that the variant is very likely to be associated with disease. At least one publication reports experimental evidence evaluating an impact on protein function. The most pronounced variant effect results in <10% of normal activity (Emi_1990). The following publications have been ascertained in the context of this evaluation (PMID: 1969408, 24793350, 22095987, 35837325). ClinVar contains an entry for this variant (Variation ID: 1522). Based on the evidence outlined above, the variant was classified as pathogenic.

Mayo Clinic Laboratories, Mayo Clinic
Classification: Pathogenic. Last evaluated: 2024-11-14. Review status: criteria provided, single submitter. Criteria: ACMG Guidelines, 2015. Collection method: clinical testing. Allele origin: germline. Observed: 3 variant alleles.
Comment: PP1_strong, PM3, PS3, PS4_moderate

NM_000237.3(LPL):c.644G>A (p.Gly215Glu)

Gene: LPL (lipoprotein lipase; plus strand). Cytogenetic location: 8p21.3.
Variant type: single nucleotide variant.
Coding change: c.644G>A on transcript NM_000237.3 (MANE Select); coding-DNA position 644, G replaced by A.
Protein change: p.Gly215Glu; replaces glycine 215 with glutamic acid.
Molecular consequence: missense variant.
Genome position (GRCh38, 1-based): chr8:19,954,222, G>A. VCF-style: chr8-19954222-G-A. GRCh37 (hg19) VCF-style: chr8-19811733-G-A.
Other names: G188E; short protein forms G215E.
Identifiers: ClinVar variation 1522 (VCV000001522.47), dbSNP rs118204057, ClinGen allele CA251861.
Genomic context (GRCh38, chr8:19,954,222, plus strand): 5'-CGAGTCGTCTTTCTCCTGATGATGCAGATTTTGTAGACGTCTTACACACATTCACCAGAG[G>A]GTCCCCTGGTCGAAGCATTGGAATCCAGAAACCAGTTGGGCATGTTGACATTTACCCGAA-3'
Protein context (NP_000228.1, residues 205-225): FVDVLHTFTR[Gly215Glu]SPGRSIGIQK